The following is an entry in ClinVar:

ClinVar aggregate classification (germline): Benign/Likely benign. Review status: criteria provided, multiple submitters, no conflicts (2 of 4 stars). 3 submissions from 3 submitters: Benign (1); Likely benign (2). Last evaluated 2024-08-22.

Conditions:
Familial cancer of breast. Also called: BREAST CANCER, FAMILIAL; Hereditary breast cancer; hereditary breast carcinoma. Identifiers: Orphanet 227535, MedGen C0346153, MONDO:0016419, OMIM 114480. Disease mechanism: loss of function.
Hereditary cancer-predisposing syndrome. Also called: Neoplastic Syndromes, Hereditary; Tumor predisposition; Hereditary neoplastic syndrome; Hereditary Cancer Syndrome. Identifiers: Orphanet 140162, MedGen C0027672, MeSH D009386, MONDO:0015356.

Allele frequency attached by ClinVar (database versions not stated): gnomAD exomes below 0.00001; TOPMed below 0.00001.
gnomAD v4.1: 2 of 1,614,068 alleles (0.00012%); highest among the groups gnomAD compares: Non-Finnish European, 0.00017%; no homozygotes.

Submissions (3):

Myriad Genetics, Inc.
Classification: Benign for Familial cancer of breast. Last evaluated: 2024-08-22. Review status: criteria provided, single submitter. Criteria: Myriad Autosomal Dominant, Autosomal Recessive and X-Linked Classification Criteria (2023). Collection method: clinical testing. Allele origin: unknown.
Comment: This variant is considered benign. This variant is a silent/synonymous amino acid change and it is not expected to impact splicing.

Ambry Genetics
Classification: Likely benign for Hereditary cancer-predisposing syndrome. Last evaluated: 2022-09-28. Review status: criteria provided, single submitter. Criteria: Ambry Variant Classification Scheme 2023. Collection method: clinical testing. Allele origin: germline.

Color Diagnostics, LLC DBA Color Health
Classification: Likely benign for Hereditary cancer-predisposing syndrome. Last evaluated: 2018-07-31. Review status: criteria provided, single submitter. Criteria: ACMG Guidelines, 2015. Collection method: clinical testing. Allele origin: germline.

NM_032043.3(BRIP1):c.1038A>G (p.Lys346=)

Gene: BRIP1 (BRCA1 interacting DNA helicase 1; minus strand). Cytogenetic location: 17q23.2.
Variant type: single nucleotide variant.
Coding change: c.1038A>G on transcript NM_032043.3 (MANE Select); coding-DNA position 1038, A replaced by G.
Protein change: p.Lys346=; no amino-acid change (lysine 346 retained).
Molecular consequence: synonymous variant.
Genome position (GRCh38, 1-based): chr17:61,801,355, T>C on the plus strand (A>G on the coding strand, the complement: BRIP1 is on the minus strand). VCF-style: chr17-61801355-T-C. GRCh37 (hg19) VCF-style: chr17-59878716-T-C.
Identifiers: ClinVar variation 628938 (VCV000628938.5), dbSNP rs1567831856, ClinGen allele CA501151906.
Genomic context (GRCh38, chr17:61,801,355, plus strand): 5'-AAATATGATGTCAGCATCTTGTATTAGTTCTCGGGCTGTGTAATATGGACAGGCCTTTAG[T>C]TTCTTCCCCAGGCTGACAAGTTCTTCTATATCCCAGGCTTTGCACATCCCTTGGAAAGTC-3'
Protein context (NP_114432.2, residues 336-356): DIEELVSLGK[Lys346=]LKACPYYTAR